The following is an entry in ClinVar:

ClinVar aggregate classification (germline): Uncertain significance (1 of 4 stars; one submission).

Conditions:
Neuronopathy, distal hereditary motor, type 2D. Also called: NEURONOPATHY, DISTAL HEREDITARY MOTOR, AUTOSOMAL DOMINANT 6; NEURONOPATHY, DISTAL HEREDITARY MOTOR, HARDING TYPE IID; NEUROPATHY, DISTAL HEREDITARY MOTOR, HARDING TYPE IID; HMN IID; SPINAL MUSCULAR ATROPHY, DISTAL, AUTOSOMAL DOMINANT, CALF-PREDOMINANT. Identifiers: Orphanet 139525, MedGen C3888271, MONDO:0014259, OMIM 615575.

Submission:

Centre for Mendelian Genomics, University Medical Centre Ljubljana
Classification: Uncertain significance for Neuronopathy, distal hereditary motor, type 2D. Last evaluated: 2019-05-21. Review status: criteria provided, single submitter. Criteria: ACMG Guidelines, 2015. Collection method: clinical testing. Allele origin: unknown. Affected: yes.
Comment: This variant was classified as: Uncertain significance. The available evidence on this variant's pathogenicity is insufficient or conflicting. The following ACMG criteria were applied in classifying this variant: PM2,PP3.

NM_205836.3(FBXO38):c.3244C>G (p.Pro1082Ala)

Gene: FBXO38 (F-box protein 38; plus strand). Cytogenetic location: 5q32.
Variant type: single nucleotide variant.
Coding change: c.3244C>G on transcript NM_205836.3 (MANE Select); coding-DNA position 3244, C replaced by G.
Protein change: p.Pro1082Ala; replaces proline 1082 with alanine.
Molecular consequence: missense variant.
Genome position (GRCh38, 1-based): chr5:148,440,497, C>G. VCF-style: chr5-148440497-C-G. GRCh37 (hg19) VCF-style: chr5-147820060-C-G.
Other names: c.2509C>G, p.Pro837Ala (NM_001271723.2); c.3019C>G, p.Pro1007Ala (NM_030793.5); short protein forms P837A, P1082A, P1007A.
Identifiers: ClinVar variation 931134 (VCV000931134.3), dbSNP rs1754612690, ClinGen allele CA361661170.
Genomic context (GRCh38, chr5:148,440,497, plus strand): 5'-TATGAATTCTTCCCTGAAGCCACTCGAAGTGAAGAAGACTTAAAGAAATACCCCAAGTAC[C>G]CCTGGGGGAGAGAAATCTATACTTTAGAAGGTGAGTATTTACAAATGTTTAGAAAGTTAA-3'
Protein context (NP_995308.1, residues 1072-1092): EEDLKKYPKY[Pro1082Ala]WGREIYTLEG